The following is an entry in ClinVar:

ClinVar aggregate classification (germline): Uncertain significance (1 of 4 stars; one submission).

gnomAD v4.1: 17 of 1,613,884 alleles (0.0011%); highest among the groups gnomAD compares: African/African-American, 0.0093%; no homozygotes.

Submission:

Labcorp Genetics (formerly Invitae), Labcorp
Classification: Uncertain significance. Last evaluated: 2024-10-08. Review status: criteria provided, single submitter. Criteria: Invitae Variant Classification Sherloc (09022015). Collection method: clinical testing. Allele origin: germline.
Comment: This sequence change replaces glutamine, which is neutral and polar, with arginine, which is basic and polar, at codon 108 of the FMN1 protein (p.Gln108Arg). This variant is present in population databases (rs367765785, gnomAD 0.003%). This variant has not been reported in the literature in individuals affected with FMN1-related conditions. Experimental studies and prediction algorithms are not available or were not evaluated, and the functional significance of this variant is currently unknown. In summary, the available evidence is currently insufficient to determine the role of this variant in disease. Therefore, it has been classified as a Variant of Uncertain Significance.

NM_001277313.2(FMN1):c.2044-2488A>G

Gene: FMN1 (formin 1; minus strand). Cytogenetic location: 15q13.3.
Variant type: single nucleotide variant.
Coding change: c.2044-2488A>G on transcript NM_001277313.2 (MANE Select); 2488 bases into the intron before coding-DNA position 2044, A replaced by G.
Molecular consequence: intron variant. On other transcripts: missense variant (1).
Genome position (GRCh38, 1-based): chr15:33,067,562, T>C on the plus strand (A>G on the coding strand, the complement: FMN1 is on the minus strand). VCF-style: chr15-33067562-T-C. GRCh37 (hg19) VCF-style: chr15-33359763-T-C.
Other names: c.323A>G, p.Gln108Arg (NM_001103184.4); short protein forms Q108R.
Identifiers: ClinVar variation 3612252 (VCV003612252.2).
Genomic context (GRCh38, chr15:33,067,562, plus strand): 5'-TTCAAAGTAGACAGTGGAAGCAGCTCTTGAGCAAGGAGAGATGTCCCTGCTTCTTTTCTC[T>C]GACTTCCCTCTGATTCTGTCTCCACGCTTGCAATTTTCTCATCATTTCCGAGGTCAGGTG-3'